The following is an entry in ClinVar:

ClinVar aggregate classification (germline): Uncertain significance (1 of 4 stars; one submission).

Conditions:
Brachyolmia-amelogenesis imperfecta syndrome. Also called: PLATYSPONDYLY WITH AMELOGENESIS IMPERFECTA; Tooth agenesis, selective, 6; Dental anomalies and short stature. Identifiers: Orphanet 2899, MedGen C1832594, MONDO:0011018, OMIM 601216. Disease mechanism: loss of function.

Submission:

Labcorp Genetics (formerly Invitae), Labcorp
Classification: Uncertain significance for Brachyolmia-amelogenesis imperfecta syndrome. Last evaluated: 2025-12-29. Review status: criteria provided, single submitter. Criteria: Invitae Variant Classification Sherloc (09022015). Collection method: clinical testing. Allele origin: germline.
Comment: This variant, c.79_105dup, results in the insertion of 9 amino acid(s) of the LTBP3 protein (p.Leu27_Leu35dup), but otherwise preserves the integrity of the reading frame. This variant is not present in population databases (gnomAD no frequency). This variant has not been reported in the literature in individuals affected with LTBP3-related conditions. In summary, the available evidence is currently insufficient to determine the role of this variant in disease. Therefore, it has been classified as a Variant of Uncertain Significance.

NM_001130144.3(LTBP3):c.76CTG[19] (p.Leu35_Gly36insLeuLeuLeuLeuLeuLeuLeuLeuLeu)

Gene: LTBP3 (latent transforming growth factor beta binding protein 3; minus strand). Cytogenetic location: 11q13.1.
Variant type: Microsatellite.
Coding change: c.76CTG[19] on transcript NM_001130144.3 (MANE Select); 19 copies in a row of the 3-base unit CTG starting at c.76; the reference has ten copies in a row; nine copies, 27 bases duplicated.
Protein change: p.Leu35_Gly36insLeuLeuLeuLeuLeuLeuLeuLeuLeu.
Molecular consequence: inframe insertion. On other transcripts: 5 prime UTR variant (1).
Genome position (GRCh38, 1-based): chr11:65,557,855-65,557,881, CAGCAGCAGCAGCAGCAGCAGCAGCAG duplicated on the plus strand (CTGCTGCTGCTGCTGCTGCTGCTGCTG on the coding strand, the reverse complement: LTBP3 is on the minus strand); duplicating any 27 consecutive bases within chr11:65,557,855-65,557,885 gives the same sequence; the position shown is the placement nearest the transcript's 3' end. VCF-style (leftmost placement, unchanged base first): chr11-65557854-C-CCAGCAGCAGCAGCAGCAGCAGCAGCAG. GRCh37 (hg19) VCF-style: chr11-65325325-C-CCAGCAGCAGCAGCAGCAGCAGCAGCAG.
Other names: c.-272CTG[19] (NM_001164266.1); c.76CTG[19], p.Leu35_Gly36insLeuLeuLeuLeuLeuLeuLeuLeuLeu (NM_021070.4).
Identifiers: ClinVar variation 4733852 (VCV004733852.1).